The following is an entry in ClinVar:

NM_003924.4(PHOX2B):c.719G>A (p.Gly240Asp)

Gene: PHOX2B (paired like homeobox 2B; minus strand). Cytogenetic location: 4p13.
Variant type: single nucleotide variant.
Coding change: c.719G>A on transcript NM_003924.4 (MANE Select); coding-DNA position 719, G replaced by A.
Protein change: p.Gly240Asp; replaces glycine 240 with aspartic acid.
Molecular consequence: missense variant.
Genome position (GRCh38, 1-based): chr4:41,746,033, C>T on the plus strand (G>A on the coding strand, the complement: PHOX2B is on the minus strand). VCF-style: chr4-41746033-C-T. GRCh37 (hg19) VCF-style: chr4-41748050-C-T.
Other names: short protein forms G240D.
Identifiers: ClinVar variation 406411 (VCV000406411.15), dbSNP rs917558720, ClinGen allele CA16611433.
Genomic context (GRCh38, chr4:41,746,033, plus strand): 5'-GCTGCCGCCGCTGCCGCTGCCGCCGCCGCCGCTGCCGCGGCCGCCGCCGCTGCTGCTGCG[C>T]CGCCCTTGCCGGGTTCGCCTCCCGGGCCCCCGGGCCCCGCCGCCCCCGGAGCTCCAGCCG-3'
Protein context (NP_003915.2, residues 230-250): GGPGGEPGKG[Gly240Asp]AAAAAAAAAA

ClinVar aggregate classification (germline): Uncertain significance. Review status: criteria provided, multiple submitters, no conflicts (2 of 4 stars). 3 submissions from 3 submitters: Uncertain significance (3). Last evaluated 2025-03-20.

Conditions:
Hereditary cancer-predisposing syndrome. Also called: Hereditary Cancer Syndrome; Hereditary neoplastic syndrome; Neoplastic Syndromes, Hereditary; Tumor predisposition. Identifiers: Orphanet 140162, MedGen C0027672, MeSH D009386, MONDO:0015356.
Haddad syndrome (OHD). Also called: Ondine-Hirschsprung disease. Identifiers: Orphanet 99803, MedGen C1859049, MONDO:0020493.

Allele frequency attached by ClinVar (database versions not stated): gnomAD 0.00002; TOPMed 0.00003.

Submissions (3):

Ambry Genetics
Classification: Uncertain significance for Hereditary cancer-predisposing syndrome. Last evaluated: 2025-03-20. Review status: criteria provided, single submitter. Criteria: Ambry Variant Classification Scheme 2023. Collection method: clinical testing. Allele origin: germline.
Comment: The p.G240D variant (also known as c.719G>A), located in coding exon 3 of the PHOX2B gene, results from a G to A substitution at nucleotide position 719. The glycine at codon 240 is replaced by aspartic acid, an amino acid with similar properties. This amino acid position is well conserved in available vertebrate species. In addition, the in silico prediction for this alteration is inconclusive. Based on the available evidence, the clinical significance of this variant remains unclear.

GeneDx
Classification: Uncertain significance. Last evaluated: 2024-08-15. Review status: criteria provided, single submitter. Criteria: GeneDx Variant Classification Process June 2021. Collection method: clinical testing. Allele origin: germline. Affected: yes.
Comment: Not observed at significant frequency in large population cohorts (gnomAD); In silico analysis indicates that this missense variant does not alter protein structure/function; Has not been previously published as pathogenic or benign to our knowledge

Labcorp Genetics (formerly Invitae), Labcorp
Classification: Uncertain significance for Haddad syndrome. Last evaluated: 2023-10-28. Review status: criteria provided, single submitter. Criteria: Invitae Variant Classification Sherloc (09022015). Collection method: clinical testing. Allele origin: germline.
Comment: This sequence change replaces glycine, which is neutral and non-polar, with aspartic acid, which is acidic and polar, at codon 240 of the PHOX2B protein (p.Gly240Asp). This variant is not present in population databases (gnomAD no frequency). This variant has not been reported in the literature in individuals affected with PHOX2B-related conditions. ClinVar contains an entry for this variant (Variation ID: 406411). Advanced modeling of protein sequence and biophysical properties (such as structural, functional, and spatial information, amino acid conservation, physicochemical variation, residue mobility, and thermodynamic stability) performed at Invitae indicates that this missense variant is not expected to disrupt PHOX2B protein function with a negative predictive value of 80%. In summary, the available evidence is currently insufficient to determine the role of this variant in disease. Therefore, it has been classified as a Variant of Uncertain Significance.